The following is an entry in ClinVar:

ClinVar aggregate classification (germline): Uncertain significance (1 of 4 stars; one submission).

Conditions:
Pulmonary fibrosis and/or bone marrow failure, Telomere-related, 3. Also called: PULMONARY FIBROSIS AND/OR BONE MARROW FAILURE SYNDROME, TELOMERE-RELATED, 3. Identifiers: Orphanet 2032, MedGen C4225346, MONDO:0014613, OMIM 616373.
Dyskeratosis congenita, autosomal recessive 5 (DKCB5). Identifiers: MedGen C3554656, MONDO:0014076, OMIM 615190.

gnomAD v4.1: 25 of 1,612,524 alleles (0.0016%); highest among the groups gnomAD compares: South Asian, 0.027%; no homozygotes.

Submission:

Labcorp Genetics (formerly Invitae), Labcorp
Classification: Uncertain significance for Dyskeratosis congenita, autosomal recessive 5; Pulmonary fibrosis and/or bone marrow failure, Telomere-related, 3. Last evaluated: 2025-03-07. Review status: criteria provided, single submitter. Criteria: Invitae Variant Classification Sherloc (09022015). Collection method: clinical testing. Allele origin: germline.
Comment: This sequence change falls in intron 18 of the RTEL1 gene. It does not directly change the encoded amino acid sequence of the RTEL1 protein. This variant is present in population databases (rs779650280, gnomAD 0.03%). This variant has not been reported in the literature in individuals affected with RTEL1-related conditions. Algorithms developed to predict the effect of sequence changes on RNA splicing suggest that this variant may disrupt the consensus splice site. In summary, the available evidence is currently insufficient to determine the role of this variant in disease. Therefore, it has been classified as a Variant of Uncertain Significance.

NM_001283009.2(RTEL1):c.1596-10C>G

Genes: RTEL1 (regulator of telomere elongation helicase 1; plus strand), RTEL1-TNFRSF6B (RTEL1-TNFRSF6B readthrough (NMD candidate); plus strand). Cytogenetic location: 20q13.33.
Variant type: single nucleotide variant.
Coding change: c.1596-10C>G on transcript NM_001283009.2 (MANE Select); 10 bases into the intron before coding-DNA position 1596, C replaced by G.
Molecular consequence: intron variant.
Genome position (GRCh38, 1-based): chr20:63,688,129, C>G. VCF-style: chr20-63688129-C-G. GRCh37 (hg19) VCF-style: chr20-62319482-C-G.
Other names: c.927-10C>G (NM_001283010.1); c.1668-10C>G (NM_032957.5); c.1596-10C>G (NM_016434.4).
Identifiers: ClinVar variation 4782454 (VCV004782454.1).